The following is an entry in ClinVar:

NM_003242.6(TGFBR2):c.462C>T (p.Asn154=)

Gene: TGFBR2 (transforming growth factor beta receptor 2; plus strand). Cytogenetic location: 3p24.1.
Variant type: single nucleotide variant.
Coding change: c.462C>T on transcript NM_003242.6 (MANE Select); coding-DNA position 462, C replaced by T.
Protein change: p.Asn154=; no amino-acid change (asparagine 154 retained).
Molecular consequence: synonymous variant. On other transcripts: intron variant (1).
Genome position (GRCh38, 1-based): chr3:30,671,645, C>T. VCF-style: chr3-30671645-C-T. GRCh37 (hg19) VCF-style: chr3-30713137-C-T.
Other names: c.537C>T, p.Asn179= (NM_001024847.3); c.645C>T, p.Asn215= (NM_001407126.1); c.570C>T, p.Asn190= (NM_001407127.1); c.489C>T, p.Asn163= (NM_001407128.1); c.465C>T, p.Asn155= (NM_001407129.1); c.462C>T, p.Asn154= (NM_001407130.1); c.357C>T, p.Asn119= (NM_001407132.1, NM_001407133.1, NM_001407134.1 and 2 more transcripts); c.177C>T, p.Asn59= (NM_001407137.1); and 2 more.
Identifiers: ClinVar variation 2888430 (VCV002888430.4), dbSNP rs1699338437, ClinGen allele CA432917487.

ClinVar aggregate classification (germline): Likely benign. Review status: criteria provided, multiple submitters, no conflicts (2 of 4 stars). 2 submissions from 2 submitters: Likely benign (2). Last evaluated 2023-08-15.

Conditions:
Loeys-Dietz syndrome 2 (LDS2). Also called: TGFBR2-Related Loeys-Dietz Syndrome; Marfan Syndrome type 2; Marfan like connective tissue disorder; MFS 2; Marfan syndrome, type 2 (formerly); AORTIC ANEURYSM, FAMILIAL THORACIC 3. Identifiers: Orphanet 284973, Orphanet 558, MedGen C2674574, MONDO:0012427, OMIM 610168.
Familial thoracic aortic aneurysm and aortic dissection (TAAD). Also called: Thoracic aortic aneurysms and dissections. Identifiers: Orphanet 91387, MedGen C4707243, MONDO:0019625.

Allele frequency attached by ClinVar (database versions not stated): gnomAD exomes below 0.00001.
gnomAD v4.1: 3 of 1,614,220 alleles (0.00019%); highest among the groups gnomAD compares: Non-Finnish European, 0.00025%; no homozygotes.

Submissions (2):

All of Us Research Program, National Institutes of Health
Classification: Likely benign for Loeys-Dietz syndrome 2. Last evaluated: 2023-08-15. Review status: criteria provided, single submitter. Criteria: ACMG Guidelines, 2015. Collection method: clinical testing. Allele origin: germline. Inheritance: Autosomal dominant inheritance. Observed: 1 variant allele, 1 heterozygote.
Comment: This study involves interpretation of variants in research participants for the purpose of population health screening. Participant phenotype was not available at the time of variant classification. Additional details can be found in publication PMID: 35346344, PMCID: PMC8962531

Labcorp Genetics (formerly Invitae), Labcorp
Classification: Likely benign for Familial thoracic aortic aneurysm and aortic dissection. Last evaluated: 2023-05-10. Review status: criteria provided, single submitter. Criteria: Invitae Variant Classification Sherloc (09022015). Collection method: clinical testing. Allele origin: germline.